The following is an entry in ClinVar:

NM_182914.3(SYNE2):c.16912G>A (p.Glu5638Lys)

Gene: SYNE2 (spectrin repeat containing nuclear envelope protein 2; plus strand). Cytogenetic location: 14q23.2.
Variant type: single nucleotide variant.
Coding change: c.16912G>A on transcript NM_182914.3 (MANE Select); coding-DNA position 16912, G replaced by A.
Protein change: p.Glu5638Lys; replaces glutamic acid 5638 with lysine.
Molecular consequence: missense variant.
Genome position (GRCh38, 1-based): chr14:64,168,883, G>A. VCF-style: chr14-64168883-G-A. GRCh37 (hg19) VCF-style: chr14-64635601-G-A.
Other names: c.16912G>A, p.Glu5638Lys (NM_015180.6); short protein forms E5638K.
Identifiers: ClinVar variation 704482 (VCV000704482.41), dbSNP rs751734028, ClinGen allele CA7223542.

ClinVar aggregate classification (germline): Conflicting classifications of pathogenicity. Review status: criteria provided, conflicting classifications (1 of 4 stars). 5 submissions from 5 submitters: Uncertain significance (2); Likely benign (3). Last evaluated 2026-01-26.

Conditions:
Emery-Dreifuss muscular dystrophy 5, autosomal dominant (EDMD5). Also called: EMERY-DREIFUSS MUSCULAR DYSTROPHY 5. Identifiers: Orphanet 261, MedGen C2751805, MONDO:0013072, OMIM 612999.

Allele frequency attached by ClinVar (database versions not stated): ExAC 0.00005; gnomAD exomes 0.00005 and 0.00013; TOPMed 0.00006; gnomAD 0.00007 and 0.00008.
gnomAD v4.1: 93 of 1,612,716 alleles (0.0058%); highest among the groups gnomAD compares: Non-Finnish European, 0.001%; no homozygotes.

Submissions (5):

Labcorp Genetics (formerly Invitae), Labcorp
Classification: Likely benign for Emery-Dreifuss muscular dystrophy 5, autosomal dominant. Last evaluated: 2026-01-26. Review status: criteria provided, single submitter. Criteria: Invitae Variant Classification Sherloc (09022015). Collection method: clinical testing. Allele origin: germline.

CeGaT Center for Human Genetics Tuebingen
Classification: Likely benign. Last evaluated: 2023-08-01. Review status: criteria provided, single submitter. Criteria: CeGaT Center For Human Genetics Tuebingen Variant Classification Criteria Version 2. Collection method: clinical testing. Allele origin: germline. Affected: yes. Observed: 1 variant allele.
Comment: SYNE2: BP4, BS2

Ambry Genetics
Classification: Uncertain significance. Last evaluated: 2021-06-11. Review status: criteria provided, single submitter. Criteria: Ambry Variant Classification Scheme 2023. Collection method: clinical testing. Allele origin: germline.

Revvity Omics, Revvity
Classification: Uncertain significance for Emery-Dreifuss muscular dystrophy 5, autosomal dominant. Last evaluated: 2019-08-30. Review status: criteria provided, single submitter. Criteria: ACMG Guidelines, 2015. Collection method: clinical testing. Allele origin: germline.

Illumina Laboratory Services, Illumina
Classification: Likely benign for Emery-Dreifuss muscular dystrophy 5, autosomal dominant. Last evaluated: 2018-01-12. Review status: criteria provided, single submitter. Criteria: ICSL Variant Classification Criteria 13 December 2019. Collection method: clinical testing. Allele origin: germline.
Comment: This variant was observed in the ICSL laboratory as part of a predisposition screen in an ostensibly healthy population. It had not been previously curated by ICSL or reported in the Human Gene Mutation Database (HGMD: prior to June 1st, 2018), and was therefore a candidate for classification through an automated scoring system. Utilizing variant allele frequency, disease prevalence and penetrance estimates, and inheritance mode, an automated score was calculated to assess if this variant is too frequent to cause the disease. Based on the score and internal cut-off values, a variant classified as likely benign is not then subjected to further curation. The score for this variant resulted in a classification of likely benign for this disease.